The following is an entry in ClinVar:

ClinVar aggregate classification (germline): Conflicting classifications of pathogenicity. Review status: criteria provided, conflicting classifications (1 of 4 stars). 4 submissions from 4 submitters: Pathogenic (1); Likely pathogenic (2); Uncertain significance (1). Last evaluated 2025-12-11.

Conditions:
Growth and developmental delay-hypotonia-vision impairment-lactic acidosis syndrome. Also called: Combined oxidative phosphorylation deficiency 18. Identifiers: Orphanet 391348, MedGen C3810001, MONDO:0014261, OMIM 615578.

Submissions (4):

Labcorp Genetics (formerly Invitae), Labcorp
Classification: Pathogenic. Last evaluated: 2025-12-11. Review status: criteria provided, single submitter. Criteria: Invitae Variant Classification Sherloc (09022015). Collection method: clinical testing. Allele origin: germline.
Comment: This sequence change creates a premature translational stop signal (p.Pro11Leufs*5) in the SFXN4 gene. It is expected to result in an absent or disrupted protein product. Loss-of-function variants in SFXN4 are known to be pathogenic (PMID: 24119684). This variant is present in population databases (rs754192985, gnomAD 0.06%). This variant has not been reported in the literature in individuals affected with SFXN4-related conditions. ClinVar contains an entry for this variant (Variation ID: 436697). For these reasons, this variant has been classified as Pathogenic.

Genetic Services Laboratory, University of Chicago
Classification: Uncertain significance. Last evaluated: 2016-11-23. Review status: criteria provided, single submitter. Criteria: ACMG Guidelines, 2015. Collection method: clinical testing. Allele origin: germline. Affected: no.

Clinical Genetics Service, Universitary Hospital 12 de Octubre
Classification: Likely pathogenic for Growth and developmental delay-hypotonia-vision impairment-lactic acidosis syndrome. Review status: criteria provided, single submitter. Criteria: ACMG Guidelines, 2015. Collection method: clinical testing. Allele origin: germline. Affected: yes.

Juno Genomics, Hangzhou Juno Genomics, Inc
Classification: Likely pathogenic for Growth and developmental delay-hypotonia-vision impairment-lactic acidosis syndrome. Review status: criteria provided, single submitter. Criteria: ACMG Guidelines, 2015. Collection method: clinical testing. Allele origin: germline.
Comment: Absent from controls (or at extremely low frequency if recessive) in Genome Aggregation Database.;Null variant in a gene where loss of function (LOF) is a known mechanism of disease.

Literature cited by the submitters: PubMed 24119684 (cited by Labcorp Genetics (formerly Invitae), Labcorp).

NM_213649.2(SFXN4):c.32del (p.Pro11fs)

Genes: SFXN4 (sideroflexin 4; minus strand), LOC130004825 (ATAC-STARR-seq lymphoblastoid silent region 2869; plus strand). Cytogenetic location: 10q26.11.
Variant type: Deletion.
Coding change: c.32del on transcript NM_213649.2 (MANE Select); coding-DNA position 32, one base deleted (C; older notation c.32delC).
Protein change: p.Pro11fs; shifts the reading frame from proline 11.
Molecular consequence: frameshift variant. On other transcripts: non-coding transcript variant (1).
Genome position (GRCh38, 1-based): chr10:119,165,616, G deleted on the plus strand (C on the coding strand, the reverse complement: SFXN4 is on the minus strand); the first of 2 consecutive G bases (chr10:119,165,616-119,165,617); deleting either gives the same sequence. VCF-style (leftmost placement, unchanged base first): chr10-119165615-AG-A. GRCh37 (hg19) VCF-style: chr10-120925127-AG-A.
Other names: short protein forms P11fs.
Identifiers: ClinVar variation 436697 (VCV000436697.10), dbSNP rs754192985, ClinGen allele CA5714740.
Genomic context (GRCh38, chr10:119,165,615, plus strand): 5'-GAAGCGCACGTTGGGCTCAATGAAGGCGGGGACGGCGTCTCTGCGTCCTAGGAGCCGCCC[AG>A]GTTGCGTTTCCTCCTCCTGTTCCAGGGACATTTTGCGCTGGTTAGAGTGGCCGCCGCCGC-3'